The following is an entry in ClinVar:

NM_001846.4(COL4A2):c.1024G>C (p.Asp342His)

Gene: COL4A2 (collagen type IV alpha 2 chain; plus strand). Cytogenetic location: 13q34.
Variant type: single nucleotide variant.
Coding change: c.1024G>C on transcript NM_001846.4 (MANE Select); coding-DNA position 1024, G replaced by C.
Protein change: p.Asp342His; replaces aspartic acid 342 with histidine.
Molecular consequence: missense variant.
Genome position (GRCh38, 1-based): chr13:110,446,810, G>C. VCF-style: chr13-110446810-G-C. GRCh37 (hg19) VCF-style: chr13-111099157-G-C.
Other names: short protein forms D342H.
Identifiers: ClinVar variation 4086605 (VCV004086605.1).
Genomic context (GRCh38, chr13:110,446,810, plus strand): 5'-CTCCAAAAGGCTATTCTCACATCCTGTTTTTCTCTTTTCTTTCTCTAGGGAGAAGCCGGA[G>C]ACCCAGGGCCCCCTGGACTACCTGCCTACTCCCCTCACCCTTCCCTAGCAAAAGGTGTGT-3'
Protein context (NP_001837.2, residues 332-352): GPRGPKGEAG[Asp342His]PGPPGLPAYS

ClinVar aggregate classification (germline): Uncertain significance (1 of 4 stars; one submission).

gnomAD v4.1: 2 of 1,612,250 alleles (0.00012%); highest among the groups gnomAD compares: Admixed American, 0.0017%; no homozygotes.

Submission:

GeneDx
Classification: Uncertain significance. Last evaluated: 2025-03-17. Review status: criteria provided, single submitter. Criteria: GeneDx Variant Classification Process June 2021. Collection method: clinical testing. Allele origin: germline. Affected: yes.
Comment: In silico analysis supports that this missense variant has a deleterious effect on protein structure/function; Has not been previously published as pathogenic or benign to our knowledge